The following is an entry in ClinVar:

ClinVar aggregate classification (germline): Pathogenic. Review status: criteria provided, multiple submitters, no conflicts (2 of 4 stars). 7 submissions from 7 submitters: Pathogenic (7). Last evaluated 2026-01-26.

Conditions:
Inborn genetic diseases. Identifiers: MedGen C0950123, MeSH D030342.
Congenital disorder of deglycosylation (CDDG). Identifiers: MedGen C3808991, MONDO:0031376.
Congenital disorder of deglycosylation 1. Also called: NGLY1-Related Congenital Disorder of Deglycosylation; NGLY1-deficiency. Identifiers: Orphanet 404454, MedGen CN306977, MONDO:0800044, OMIM 615273.

Allele frequency attached by ClinVar (database versions not stated): gnomAD 0.00001; ExAC 0.00002; gnomAD exomes 0.00003; TOPMed 0.00003; 1000 Genomes Project 30x 0.00031; 1000 Genomes Project 0.00040.
gnomAD v4.1: 17 of 1,613,484 alleles (0.0011%); highest among the groups gnomAD compares: East Asian, 0.016%; no homozygotes.

Submissions (7):

Labcorp Genetics (formerly Invitae), Labcorp
Classification: Pathogenic for Congenital disorder of deglycosylation. Last evaluated: 2026-01-26. Review status: criteria provided, single submitter. Criteria: Invitae Variant Classification Sherloc (09022015). Collection method: clinical testing. Allele origin: germline.
Comment: This sequence change creates a premature translational stop signal (p.Arg411*) in the NGLY1 gene. It is expected to result in an absent or disrupted protein product. Loss-of-function variants in NGLY1 are known to be pathogenic (PMID: 24651605). This variant is present in population databases (rs146140738, gnomAD 0.02%). This premature translational stop signal has been observed in individuals with NGLY1-related conditions (PMID: 31965062). It has also been observed to segregate with disease in related individuals. ClinVar contains an entry for this variant (Variation ID: 647531). For these reasons, this variant has been classified as Pathogenic.

GeneDx
Classification: Pathogenic. Last evaluated: 2025-11-04. Review status: criteria provided, single submitter. Criteria: GeneDx Variant Classification Process June 2021. Collection method: clinical testing. Allele origin: germline. Affected: yes.
Comment: Nonsense variant predicted to result in protein truncation or nonsense mediated decay in a gene for which loss of function is a known mechanism of disease; Not observed at significant frequency in large population cohorts (gnomAD); This variant is associated with the following publications: (PMID: 31440721, 36528660, 33497766, 31965062, 39829082, 38006208)

Revvity Omics, Revvity
Classification: Pathogenic for Congenital disorder of deglycosylation 1. Last evaluated: 2024-08-23. Review status: criteria provided, single submitter. Criteria: ACMG Guidelines, 2015. Collection method: clinical testing. Allele origin: germline.

Fulgent Genetics
Classification: Pathogenic for Congenital disorder of deglycosylation 1. Last evaluated: 2024-03-21. Review status: criteria provided, single submitter. Criteria: ACMG Guidelines, 2015. Collection method: clinical testing. Allele origin: germline.

Ambry Genetics
Classification: Pathogenic for Inborn genetic diseases. Last evaluated: 2022-12-21. Review status: criteria provided, single submitter. Criteria: Ambry Variant Classification Scheme 2023. Collection method: clinical testing. Allele origin: germline.
Comment: The c.1231C>T (p.R411*) alteration, located in exon 8 (coding exon 8) of the NGLY1 gene, consists of a C to T substitution at nucleotide position 1231. This changes the amino acid from an arginine (R) to a stop codon at amino acid position 411. This alteration is expected to result in loss of function by premature protein truncation or nonsense-mediated mRNA decay. This alteration was detected in conjunction with another alteration in NGLY1, in multiple individuals with NGLY1-related congenital disorder of deglycosylation (Abuduxikuer, 2020). Based on the available evidence, this alteration is classified as pathogenic.

Juno Genomics, Hangzhou Juno Genomics, Inc
Classification: Pathogenic for Congenital disorder of deglycosylation 1. Review status: criteria provided, single submitter. Criteria: ACMG Guidelines, 2015. Collection method: clinical testing. Allele origin: germline.
Comment: Absent from controls (or at extremely low frequency if recessive) in Genome Aggregation Database.;Null variant in a gene where loss of function (LOF) is a known mechanism of disease.;For recessive disorders, detected in trans with a pathogenic variant.;Co-segregation with disease in multiple affected family members.

Neuberg Centre For Genomic Medicine, NCGM
Classification: Pathogenic for Congenital disorder of deglycosylation 1. Review status: criteria provided, single submitter. Criteria: ACMG Guidelines, 2015. Collection method: clinical testing. Allele origin: germline. Inheritance: Autosomal recessive inheritance. Affected: yes.
Comment: The stop gained variant c.1231C>T (p.Arg411Ter) in NGLY1 has been reported to the ClinVar database as Pathogenic. The p.Arg411Ter variant is novel (not in any individuals) in 1000 Genomes and allele frequency of 0.002789% is reported in gnomAD. The nucleotide change in NGLY1 is predicted as conserved by GERP++ and PhyloP across 100 vertebrates. This variant is predicted to cause loss of normal protein function through protein truncation. Loss of function variants have been previously reported to be disease causing. For these reasons, this variant has been classified as Pathogenic .

Literature cited by the submitters: PubMed 24651605 (cited by Labcorp Genetics (formerly Invitae), Labcorp); PubMed 31965062 (cited by Labcorp Genetics (formerly Invitae), Labcorp and Ambry Genetics).

NM_018297.4(NGLY1):c.1231C>T (p.Arg411Ter)

Gene: NGLY1 (N-glycanase 1; minus strand). Cytogenetic location: 3p24.2.
Variant type: single nucleotide variant.
Coding change: c.1231C>T on transcript NM_018297.4 (MANE Select); coding-DNA position 1231, C replaced by T.
Protein change: p.Arg411Ter; replaces arginine 411 with a stop codon.
Molecular consequence: nonsense.
Genome position (GRCh38, 1-based): chr3:25,733,901, G>A on the plus strand (C>T on the coding strand, the complement: NGLY1 is on the minus strand). VCF-style: chr3-25733901-G-A. GRCh37 (hg19) VCF-style: chr3-25775392-G-A.
Other names: c.1177C>T, p.Arg393Ter (NM_001145293.2); c.1105C>T, p.Arg369Ter (NM_001145294.2); c.1231C>T, p.Arg411Ter (NM_001145295.2); short protein forms R411*, R369*, R393*.
Identifiers: ClinVar variation 647531 (VCV000647531.14), dbSNP rs146140738, ClinGen allele CA2289224.